The following is an entry in ClinVar:

NM_001042492.3(NF1):c.823A>C (p.Ile275Leu)

Gene: NF1 (neurofibromin 1; plus strand). Cytogenetic location: 17q11.2.
Variant type: single nucleotide variant.
Coding change: c.823A>C on transcript NM_001042492.3 (MANE Select); coding-DNA position 823, A replaced by C.
Protein change: p.Ile275Leu; replaces isoleucine 275 with leucine.
Molecular consequence: missense variant.
Genome position (GRCh38, 1-based): chr17:31,182,600, A>C. VCF-style: chr17-31182600-A-C. GRCh37 (hg19) VCF-style: chr17-29509618-A-C.
Other names: c.823A>C, p.Ile275Leu (NM_001128147.3, NM_000267.4); short protein forms I275L.
Identifiers: ClinVar variation 185796 (VCV000185796.12), dbSNP rs786202464, ClinGen allele CA192973.

ClinVar aggregate classification (germline): Uncertain significance. Review status: criteria provided, multiple submitters, no conflicts (2 of 4 stars). 4 submissions from 4 submitters: Uncertain significance (4). Last evaluated 2024-07-21.

Conditions:
Hereditary cancer-predisposing syndrome. Also called: Tumor predisposition; Neoplastic Syndromes, Hereditary; Hereditary neoplastic syndrome; Hereditary Cancer Syndrome. Identifiers: Orphanet 140162, MedGen C0027672, MeSH D009386, MONDO:0015356.
Neurofibromatosis, type 1 (NF1). Also called: NEUROFIBROMATOSIS, TYPE I, SOMATIC; Peripheral type neurofibromatosis; VON RECKLINGHAUSEN DISEASE; Neurofibromatosis, type I. Identifiers: Orphanet 636, MedGen C0027831, MONDO:0018975, OMIM 162200. Disease mechanism: loss of function.

gnomAD v4.1: 1 of 1,614,066 alleles (0.000062%); highest among the groups gnomAD compares: Non-Finnish European, 0.000085%; no homozygotes.

Submissions (4):

Labcorp Genetics (formerly Invitae), Labcorp
Classification: Uncertain significance for Neurofibromatosis, type 1. Last evaluated: 2024-07-21. Review status: criteria provided, single submitter. Criteria: Invitae Variant Classification Sherloc (09022015). Collection method: clinical testing. Allele origin: germline.
Comment: This sequence change replaces isoleucine, which is neutral and non-polar, with leucine, which is neutral and non-polar, at codon 275 of the NF1 protein (p.Ile275Leu). This variant is not present in population databases (gnomAD no frequency). This variant has not been reported in the literature in individuals affected with NF1-related conditions. ClinVar contains an entry for this variant (Variation ID: 185796). Advanced modeling of protein sequence and biophysical properties (such as structural, functional, and spatial information, amino acid conservation, physicochemical variation, residue mobility, and thermodynamic stability) performed at Invitae indicates that this missense variant is not expected to disrupt NF1 protein function with a negative predictive value of 95%. In summary, the available evidence is currently insufficient to determine the role of this variant in disease. Therefore, it has been classified as a Variant of Uncertain Significance.

Blueprint Genetics
Classification: Uncertain significance. Last evaluated: 2023-05-02. Review status: criteria provided, single submitter. Criteria: ACMG Guidelines, 2015. Collection method: clinical testing. Allele origin: germline.

Genome-Nilou Lab
Classification: Uncertain significance for Neurofibromatosis, type 1. Last evaluated: 2022-03-15. Review status: criteria provided, single submitter. Criteria: ACMG Guidelines, 2015. Collection method: clinical testing. Allele origin: germline. Affected: no.

Ambry Genetics
Classification: Uncertain significance for Hereditary cancer-predisposing syndrome. Last evaluated: 2016-03-01. Review status: criteria provided, single submitter. Criteria: Ambry Autosomal Dominant and X-Linked criteria (10/2015). Collection method: clinical testing. Allele origin: germline. Observed: 1 variant allele.
Comment: The p.I275L variant (also known as c.823A>C), located in coding exon 8 of the NF1 gene, results from an A to C substitution at nucleotide position 823. The isoleucine at codon 275 is replaced by leucine, an amino acid with highly similar properties. This variant was not reported in population based cohorts in the following databases: Database of Single Nucleotide Polymorphisms (dbSNP), NHLBI Exome Sequencing Project (ESP), and 1000 Genomes Project. In the ESP, this variant was not observed in 6503 samples (13006 alleles) with coverage at this position. To date, this alteration has been detected with an allele frequency of approximately 0.001% (greater than 110000alleles tested) in our clinical cohort.This amino acid position is highly conserved through mammals but not in all available vertebrate species. In addition, the in silico prediction for this alteration is inconclusive.Since supporting evidence is limited at this time, the clinical significance of this alterationremains unclear.